The following is an entry in ClinVar:

NM_032802.4(SPPL2A):c.598G>T (p.Ala200Ser)

Gene: SPPL2A (signal peptide peptidase like 2A; minus strand). Cytogenetic location: 15q21.2.
Variant type: single nucleotide variant.
Coding change: c.598G>T on transcript NM_032802.4 (MANE Select); coding-DNA position 598, G replaced by T.
Protein change: p.Ala200Ser; replaces alanine 200 with serine.
Molecular consequence: missense variant.
Genome position (GRCh38, 1-based): chr15:50,739,815, C>A on the plus strand (G>T on the coding strand, the complement: SPPL2A is on the minus strand). VCF-style: chr15-50739815-C-A. GRCh37 (hg19) VCF-style: chr15-51032012-C-A.
Other names: c.598G>T (NM_032802.3); short protein forms A200S.
Identifiers: ClinVar variation 2645335 (VCV002645335.26), dbSNP rs61752331, ClinGen allele CA7558466.
Genomic context (GRCh38, chr15:50,739,815, plus strand): 5'-GACTAAAAGTTAAATATTCTTCCTTCTTTTTCCTCATTTCTCTATCTTCAGTTGTCACTG[C>A]TTTCAAGTTTTCCCTGTACAAACACACAGGAACTTTAGCAAATCTTAGCCAAGTACAGTT-3'
Protein context (NP_116191.2, residues 190-210): SGLVELENLK[Ala200Ser]VTTEDREMRK

ClinVar aggregate classification (germline): Likely benign. Review status: criteria provided, multiple submitters, no conflicts (2 of 4 stars). 3 submissions from 3 submitters: Likely benign (3). Last evaluated 2025-05-01.

Conditions:
SPPL2A-related disorder. Also called: SPPL2A-related condition.

Allele frequency attached by ClinVar (database versions not stated): 1000 Genomes Project 0.00060; 1000 Genomes Project 30x 0.00062; ESP Exome Variant Server 0.00216; TOPMed 0.00219; gnomAD 0.00230; ExAC 0.00321.
gnomAD v4.1: 3,778 of 1,600,360 alleles (0.24%); highest among the groups gnomAD compares: Middle Eastern, 0.88%; 10 homozygotes.

Submissions (3):

CeGaT Center for Human Genetics Tuebingen
Classification: Likely benign. Last evaluated: 2025-05-01. Review status: criteria provided, single submitter. Criteria: CeGaT Center For Human Genetics Tuebingen Variant Classification Criteria Version 2. Collection method: clinical testing. Allele origin: germline. Affected: yes. Observed: 6 variant alleles.
Comment: SPPL2A: BP4

PreventionGenetics, part of Exact Sciences
Classification: Likely benign for SPPL2A-related condition. Last evaluated: 2025-02-17. Review status: criteria provided, single submitter. Criteria: ACMG Guidelines, 2015. Collection method: clinical testing. Allele origin: germline.
Comment: This variant is classified as likely benign based on ACMG/AMP sequence variant interpretation guidelines (Richards et al. 2015 PMID: 25741868, with internal and published modifications).

Blueprint Genetics
Classification: Likely benign. Last evaluated: 2024-11-26. Review status: criteria provided, single submitter. Criteria: ACMG Guidelines, 2015. Collection method: clinical testing. Allele origin: germline.